The following is an entry in ClinVar:

NM_000297.4(PKD2):c.163G>A (p.Glu55Lys)

Genes: PKD2 (polycystin 2, transient receptor potential cation channel; plus strand), LOC129992813 (ATAC-STARR-seq lymphoblastoid silent region 15559; plus strand). Cytogenetic location: 4q22.1.
Variant type: single nucleotide variant.
Coding change: c.163G>A on transcript NM_000297.4 (MANE Select); coding-DNA position 163, G replaced by A.
Protein change: p.Glu55Lys; replaces glutamic acid 55 with lysine.
Molecular consequence: missense variant. On other transcripts: non-coding transcript variant (1).
Genome position (GRCh38, 1-based): chr4:88,007,896, G>A. VCF-style: chr4-88007896-G-A. GRCh37 (hg19) VCF-style: chr4-88929048-G-A.
Other names: short protein forms E55K.
Identifiers: ClinVar variation 1953654 (VCV001953654.6), dbSNP rs1431720565, ClinGen allele CA357625517.
Genomic context (GRCh38, chr4:88,007,896, plus strand): 5'-GCCGTGGGCGCCAGCCTCGCCGCCCCGGGCGGCCTCTGCGAGCAGCGGGGCCTGGAGATC[G>A]AGATGCAGCGCATCCGGCAGGCGGCCGCGCGGGACCCCCCGGCCGGAGCCGCGGCCTCCC-3'
Protein context (NP_000288.1, residues 45-65): GLCEQRGLEI[Glu55Lys]MQRIRQAAAR

ClinVar aggregate classification (germline): Uncertain significance. Review status: criteria provided, multiple submitters, no conflicts (2 of 4 stars). 2 submissions from 2 submitters: Uncertain significance (2). Last evaluated 2024-06-04.

Conditions:
Polycystic kidney disease 2 (PKD2). Also called: POLYCYSTIC KIDNEY DISEASE, ADULT, TYPE II; POLYCYSTIC KIDNEY DISEASE 2 WITH OR WITHOUT POLYCYSTIC LIVER DISEASE; Polycystic Kidney Disease 2, Autosomal Dominant. Identifiers: MedGen C2751306, MONDO:0013131, OMIM 613095.
Autosomal dominant polycystic kidney disease. Identifiers: Orphanet 730, MedGen C0085413, MONDO:0004691.

gnomAD v4.1: 6 of 1,404,274 alleles (0.00043%); highest among the groups gnomAD compares: Non-Finnish European, 0.00056%; no homozygotes.

Submissions (2):

Fulgent Genetics
Classification: Uncertain significance for Polycystic kidney disease 2. Last evaluated: 2024-06-04. Review status: criteria provided, single submitter. Criteria: ACMG Guidelines, 2015. Collection method: clinical testing. Allele origin: germline.

Labcorp Genetics (formerly Invitae), Labcorp
Classification: Uncertain significance for Autosomal dominant polycystic kidney disease. Last evaluated: 2023-02-25. Review status: criteria provided, single submitter. Criteria: Invitae Variant Classification Sherloc (09022015). Collection method: clinical testing. Allele origin: germline.
Comment: This variant has not been reported in the literature in individuals affected with PKD2-related conditions. This variant is not present in population databases (gnomAD no frequency). This sequence change replaces glutamic acid, which is acidic and polar, with lysine, which is basic and polar, at codon 55 of the PKD2 protein (p.Glu55Lys). In summary, the available evidence is currently insufficient to determine the role of this variant in disease. Therefore, it has been classified as a Variant of Uncertain Significance. An algorithm developed to predict the effect of missense changes on protein structure and function (PolyPhen-2) suggests that this variant is likely to be disruptive. ClinVar contains an entry for this variant (Variation ID: 1953654).